The following is an entry in ClinVar:

ClinVar aggregate classification (germline): Uncertain significance. Review status: criteria provided, multiple submitters, no conflicts (2 of 4 stars). 3 submissions from 3 submitters: Uncertain significance (3). Last evaluated 2025-08-21.

Conditions:
Congenital disorder of glycosylation, type Iaa. Also called: Congenital disorder of glycosylation, type 1aa. Identifiers: MedGen C4310727, MONDO:0014904, OMIM 617082.

Allele frequency attached by ClinVar (database versions not stated): 1000 Genomes Project 30x 0.00016.
gnomAD v4.1: 61 of 1,532,692 alleles (0.004%); highest among the groups gnomAD compares: Admixed American, 0.008%; no homozygotes.

Submissions (3):

Dasa
Classification: Uncertain significance. Last evaluated: 2025-08-21. Review status: criteria provided, single submitter. Criteria: DASA Assertion Criteria. Collection method: clinical testing. Allele origin: germline.
Comment: NM_138459.5(NUS1):c.197G>A (p.Arg66His) is a missense variant that results in the substitution of arginine with histidine. This variant is absent from population databases. Computational prediction algorithms are consistent with a benign effect. The currently available literature and clinical evidence are not sufficient to establish a definitive association between this variant and the reported condition. Therefore, this variant is classified as a variant of uncertain significance.

Labcorp Genetics (formerly Invitae), Labcorp
Classification: Uncertain significance for Congenital disorder of glycosylation, type Iaa. Last evaluated: 2024-09-11. Review status: criteria provided, single submitter. Criteria: Invitae Variant Classification Sherloc (09022015). Collection method: clinical testing. Allele origin: germline.
Comment: This sequence change replaces arginine, which is basic and polar, with histidine, which is basic and polar, at codon 66 of the NUS1 protein (p.Arg66His). This variant is present in population databases (no rsID available, gnomAD 0.009%). This variant has not been reported in the literature in individuals affected with NUS1-related conditions. ClinVar contains an entry for this variant (Variation ID: 2190866). An algorithm developed to predict the effect of missense changes on protein structure and function outputs the following: PolyPhen-2: "Benign". The histidine amino acid residue is found in multiple mammalian species, which suggests that this missense change does not adversely affect protein function. In summary, the available evidence is currently insufficient to determine the role of this variant in disease. Therefore, it has been classified as a Variant of Uncertain Significance.

Blueprint Genetics
Classification: Uncertain significance. Last evaluated: 2024-03-04. Review status: criteria provided, single submitter. Criteria: ACMG Guidelines, 2015. Collection method: clinical testing. Allele origin: germline.

NM_138459.5(NUS1):c.197G>A (p.Arg66His)

Gene: NUS1 (NUS1 dehydrodolichyl diphosphate synthase subunit; plus strand). Cytogenetic location: 6q22.1.
Variant type: single nucleotide variant.
Coding change: c.197G>A on transcript NM_138459.5 (MANE Select); coding-DNA position 197, G replaced by A.
Protein change: p.Arg66His; replaces arginine 66 with histidine.
Molecular consequence: missense variant.
Genome position (GRCh38, 1-based): chr6:117,675,867, G>A. VCF-style: chr6-117675867-G-A. GRCh37 (hg19) VCF-style: chr6-117997030-G-A.
Other names: short protein forms R66H.
Identifiers: ClinVar variation 2190866 (VCV002190866.7), dbSNP rs539668656, ClinGen allele CA146431386.